The following is an entry in ClinVar:

NM_005144.5(HR):c.3432G>C (p.Glu1144Asp)

Gene: HR (HR lysine demethylase and nuclear receptor corepressor; minus strand). Cytogenetic location: 8p21.3.
Variant type: single nucleotide variant.
Coding change: c.3432G>C on transcript NM_005144.5 (MANE Select); coding-DNA position 3432, G replaced by C.
Protein change: p.Glu1144Asp; replaces glutamic acid 1144 with aspartic acid.
Molecular consequence: missense variant.
Genome position (GRCh38, 1-based): chr8:22,116,375, C>G on the plus strand (G>C on the coding strand, the complement: HR is on the minus strand). VCF-style: chr8-22116375-C-G. GRCh37 (hg19) VCF-style: chr8-21973888-C-G.
Other names: c.3267G>C, p.Glu1089Asp (NM_018411.4); short protein forms E1089D, E1144D.
Identifiers: ClinVar variation 3381606 (VCV003381606.1).

ClinVar aggregate classification (germline): Uncertain significance (1 of 4 stars; one submission).

Submission:

GeneDx
Classification: Uncertain significance. Last evaluated: 2024-05-22. Review status: criteria provided, single submitter. Criteria: GeneDx Variant Classification Process June 2021. Collection method: clinical testing. Allele origin: germline. Affected: yes.
Comment: Not observed at significant frequency in large population cohorts (gnomAD); In silico analysis supports that this missense variant has a deleterious effect on protein structure/function; Has not been previously published as pathogenic or benign to our knowledge; In silico analysis suggests this variant may impact gene splicing. In the absence of RNA/functional studies, the actual effect of this sequence change is unknown.